The following is an entry in ClinVar:

NM_001267550.2(TTN):c.7902C>T (p.Ser2634=)

Gene: TTN (titin; minus strand). Cytogenetic location: 2q31.2.
Variant type: single nucleotide variant.
Coding change: c.7902C>T on transcript NM_001267550.2 (MANE Select); coding-DNA position 7902, C replaced by T.
Protein change: p.Ser2634=; no amino-acid change (serine 2634 retained).
Molecular consequence: synonymous variant.
Genome position (GRCh38, 1-based): chr2:178,771,425, G>A on the plus strand (C>T on the coding strand, the complement: TTN is on the minus strand). VCF-style: chr2-178771425-G-A. GRCh37 (hg19) VCF-style: chr2-179636152-G-A.
Other names: c.7902C>T, p.Ser2634= (NM_001256850.1, NM_133378.4, NM_133379.5); c.7764C>T, p.Ser2588= (NM_003319.4, NM_133432.3, NM_133437.4).
Identifiers: ClinVar variation 500400 (VCV000500400.16), dbSNP rs1553997365, ClinGen allele CA430125876.
Genomic context (GRCh38, chr2:178,771,425, plus strand): 5'-CCTCAACCATTCGCCTTTGGAATCTGGGTTGGCAACTTCACATTCAAACACAGCTTCCTG[G>A]GATTCAGCTACGGTCTGATCTGTGAGTGGCTTGGAGATGGCCCCACCTTTGGAACAAGAG-3'
Protein context (NP_001254479.2, residues 2624-2644): KPLTDQTVAE[Ser2634=]QEAVFECEVA

ClinVar aggregate classification (germline): Conflicting classifications of pathogenicity. Review status: criteria provided, conflicting classifications (1 of 4 stars). 4 submissions from 4 submitters: Uncertain significance (1); Likely benign (3). Last evaluated 2026-09-25.

Conditions:
TTN-related disorder. Also called: TTN-related condition; TTN-related disease; TTN-related disorders.
Cardiovascular phenotype. Identifiers: MedGen CN230736.
Dilated cardiomyopathy 1G (CMD1G). Identifiers: Orphanet 154, MedGen C1858763, MONDO:0011400, OMIM 604145.
Autosomal recessive limb-girdle muscular dystrophy type 2J (LGMDR10). Also called: Limb-girdle muscular dystrophy, type 2J; MUSCULAR DYSTROPHY, LIMB-GIRDLE, AUTOSOMAL RECESSIVE 10. Identifiers: Orphanet 140922, MedGen C1837342, MONDO:0012127, OMIM 608807.

Allele frequency attached by ClinVar (database versions not stated): gnomAD 0.00001.
gnomAD v4.1: 4 of 1,613,810 alleles (0.00025%); highest among the groups gnomAD compares: African/African-American, 0.004%; no homozygotes.

Submissions (4):

PreventionGenetics, part of Exact Sciences
Classification: Likely benign for TTN-related condition. Last evaluated: 2026-09-25. Review status: criteria provided, single submitter. Criteria: ACMG Guidelines, 2015. Collection method: clinical testing. Allele origin: germline.
Comment: This variant is classified as likely benign based on ACMG/AMP sequence variant interpretation guidelines (Richards et al. 2015 PMID: 25741868, with internal and published modifications).

Labcorp Genetics (formerly Invitae), Labcorp
Classification: Likely benign for Dilated cardiomyopathy 1G; Autosomal recessive limb-girdle muscular dystrophy type 2J. Last evaluated: 2025-11-09. Review status: criteria provided, single submitter. Criteria: Invitae Variant Classification Sherloc (09022015). Collection method: clinical testing. Allele origin: germline.

Ambry Genetics
Classification: Likely benign for Cardiovascular phenotype. Last evaluated: 2023-11-29. Review status: criteria provided, single submitter. Criteria: Ambry Variant Classification Scheme 2023. Collection method: clinical testing. Allele origin: germline.

Eurofins Ntd Llc (ga)
Classification: Uncertain significance. Last evaluated: 2017-02-08. Review status: criteria provided, single submitter. Criteria: EGL Classification Definitions 2015. Collection method: clinical testing. Allele origin: germline. Observed: 1 variant allele, 1 heterozygote.